The following is an entry in ClinVar:

ClinVar aggregate classification (germline): Uncertain significance (1 of 4 stars; one submission).

gnomAD v4.1: 2 of 1,483,868 alleles (0.00013%); highest among the groups gnomAD compares: Non-Finnish European, 0.00019%; no homozygotes.

Submission:

Women's Health and Genetics/Laboratory Corporation of America, LabCorp
Classification: Uncertain significance. Last evaluated: 2026-03-19. Review status: criteria provided, single submitter. Criteria: LabCorp Variant Classification Summary - May 2015. Collection method: clinical testing. Allele origin: germline.
Comment: Variant summary: PCCA c.1643G>A (p.Arg548Lys) results in a conservative amino acid change in the encoded protein sequence. Algorithms developed to predict the effect of missense changes on protein structure and function are either unavailable or do not agree on the potential impact of this missense change. Several computational tools predict a significant impact on normal splicing: Three predict the variant weakens a canonical 5' donor site and one predicts the variant abolishes a canonical 5' splicing donor site. However, these predictions have yet to be confirmed by functional studies. The variant was absent in 250826 control chromosomes. The available data on variant occurrences in the general population are insufficient to allow any conclusion about variant significance. To our knowledge, no occurrence of c.1643G>A in individuals affected with PCCA-related conditions and no experimental evidence demonstrating its impact on protein function have been reported. No submitters have cited clinical-significance assessments for this variant to ClinVar. Based on the evidence outlined above, the variant was classified as uncertain significance.

NM_000282.4(PCCA):c.1643G>A (p.Arg548Lys)

Gene: PCCA (propionyl-CoA carboxylase subunit alpha; plus strand). Cytogenetic location: 13q32.3.
Variant type: single nucleotide variant.
Coding change: c.1643G>A on transcript NM_000282.4 (MANE Select); coding-DNA position 1643, G replaced by A.
Protein change: p.Arg548Lys; replaces arginine 548 with lysine.
Molecular consequence: missense variant. On other transcripts: non-coding transcript variant (5).
Genome position (GRCh38, 1-based): chr13:100,340,259, G>A. VCF-style: chr13-100340259-G-A. GRCh37 (hg19) VCF-style: chr13-100992513-G-A.
Other names: c.1565G>A, p.Arg522Lys (NM_001127692.3, NM_001352607.2); c.1643G>A, p.Arg548Lys (NM_001178004.2, NM_001352605.2, NM_001352609.2); c.1499G>A, p.Arg500Lys (NM_001352606.2); c.1421G>A, p.Arg474Lys (NM_001352608.2); c.698G>A, p.Arg233Lys (NM_001352610.2, NM_001352611.2); c.554G>A, p.Arg185Lys (NM_001352612.2); short protein forms R185K, R233K, R474K, R500K, R522K, R548K.
Identifiers: ClinVar variation 4847088 (VCV004847088.1).
Genomic context (GRCh38, chr13:100,340,259, plus strand): 5'-TAGCATCATCATTGTTTGTGGCATTCCAGTTAAGAGCACAACATTTTCAAGAAAATTCAA[G>A]GTATGGTAGATCATTTAAAACAGAATAAATGAGCAGAACAATATTGATAATCCAGTCTAC-3'
Protein context (NP_000273.2, residues 538-558): LRAQHFQENS[Arg548Lys]MPVIKPDIAN